The following is an entry in ClinVar:

NM_020336.4(RALGAPB):c.4292-15CT[2]

Gene: RALGAPB (Ral GTPase activating protein non-catalytic subunit beta; plus strand). Cytogenetic location: 20q11.23.
Variant type: Microsatellite.
Coding change: c.4292-15CT[2] on transcript NM_020336.4 (MANE Select); two copies in a row of the 2-base unit CT starting at c.4292-15; the reference has three copies in a row; one copy, 2 bases deleted.
Molecular consequence: intron variant.
Genome position (GRCh38, 1-based): chr20:38,574,763-38,574,764, CT deleted; deleting any 2 consecutive bases within chr20:38,574,759-38,574,764 gives the same sequence; the position shown is the placement nearest the transcript's 3' end. VCF-style (leftmost placement, unchanged base first): chr20-38574758-ACT-A. GRCh37 (hg19) VCF-style: chr20-37203401-ACT-A.
Other names: c.4283-15CT[2] (NM_001282918.2); c.4292-15CT[2] (NM_001282917.2).
Identifiers: ClinVar variation 3049073 (VCV003049073.2), dbSNP rs543209600, ClinGen allele CA9854727.

ClinVar aggregate classification (germline): Likely benign (0 of 4 stars; one submission).

Conditions:
RALGAPB-related disorder. Also called: RALGAPB-related condition.

Submission:

PreventionGenetics, part of Exact Sciences
Classification: Likely benign for RALGAPB-related condition. Last evaluated: 2020-01-03. Review status: no assertion criteria provided. Collection method: clinical testing. Allele origin: germline.
Comment: This variant is classified as likely benign based on ACMG/AMP sequence variant interpretation guidelines (Richards et al. 2015 PMID: 25741868, with internal and published modifications).